The following is an entry in ClinVar:

ClinVar aggregate classification (germline): Uncertain significance (1 of 4 stars; one submission).

Conditions:
Chédiak-Higashi syndrome (CHS). Also called: Chediak-Higashi Syndrome. Identifiers: Orphanet 167, MedGen C0007965, MONDO:0008963, OMIM 214500.

Allele frequency attached by ClinVar (database versions not stated): gnomAD exomes below 0.00001.
gnomAD v4.1: 1 of 1,613,974 alleles (0.000062%); highest among the groups gnomAD compares: Non-Finnish European, 0.000085%; no homozygotes.

Submission:

Labcorp Genetics (formerly Invitae), Labcorp
Classification: Uncertain significance for Chédiak-Higashi syndrome. Last evaluated: 2021-08-14. Review status: criteria provided, single submitter. Criteria: Invitae Variant Classification Sherloc (09022015). Collection method: clinical testing. Allele origin: germline.
Comment: This sequence change replaces glutamine with arginine at codon 2644 of the LYST protein (p.Gln2644Arg). The glutamine residue is moderately conserved and there is a small physicochemical difference between glutamine and arginine. This variant is not present in population databases (ExAC no frequency). This variant has not been reported in the literature in individuals affected with LYST-related conditions. Algorithms developed to predict the effect of missense changes on protein structure and function are either unavailable or do not agree on the potential impact of this missense change (SIFT: "Deleterious"; PolyPhen-2: "Benign"; Align-GVGD: "Class C0"). In summary, the available evidence is currently insufficient to determine the role of this variant in disease. Therefore, it has been classified as a Variant of Uncertain Significance.

NM_000081.4(LYST):c.7931A>G (p.Gln2644Arg)

Gene: LYST (lysosomal trafficking regulator; minus strand). Cytogenetic location: 1q42.3.
Variant type: single nucleotide variant.
Coding change: c.7931A>G on transcript NM_000081.4 (MANE Select); coding-DNA position 7931, A replaced by G.
Protein change: p.Gln2644Arg; replaces glutamine 2644 with arginine.
Molecular consequence: missense variant.
Genome position (GRCh38, 1-based): chr1:235,746,377, T>C on the plus strand (A>G on the coding strand, the complement: LYST is on the minus strand). VCF-style: chr1-235746377-T-C. GRCh37 (hg19) VCF-style: chr1-235909677-T-C.
Other names: c.7931A>G, p.Gln2644Arg (NM_001301365.1); short protein forms Q2644R.
Identifiers: ClinVar variation 1367682 (VCV001367682.5), dbSNP rs2527666634, ClinGen allele CA344926744.